The following is an entry in ClinVar:

NM_019066.5(MAGEL2):c.648_677del (p.181HPPPPGTPMA[4])

Gene: MAGEL2 (MAGE family member L2; minus strand). Cytogenetic location: 15q11.2.
Variant type: Deletion.
Coding change: c.648_677del on transcript NM_019066.5 (MANE Select); coding-DNA positions 648 to 677, 30 bases deleted (GACACCGATGGCTCATCCTCCCCCTCCGGG).
Protein change: p.181HPPPPGTPMA[4].
Molecular consequence: inframe deletion.
Genome position (GRCh38, 1-based): chr15:23,647,066-23,647,095, CCCGGAGGGGGAGGATGAGCCATCGGTGTC deleted on the plus strand (GACACCGATGGCTCATCCTCCCCCTCCGGG on the coding strand, the reverse complement: MAGEL2 is on the minus strand); deleting any 30 consecutive bases within chr15:23,647,066-23,647,103 gives the same sequence; the c. name uses the placement nearest the transcript's 3' end. VCF-style (leftmost placement, unchanged base first): chr15-23647065-ACCCGGAGGGGGAGGATGAGCCATCGGTGTC-A. GRCh37 (hg19) VCF-style: chr15-23892212-ACCCGGAGGGGGAGGATGAGCCATCGGTGTC-A.
Identifiers: ClinVar variation 3012537 (VCV003012537.3), dbSNP rs2503983581, ClinGen allele CA2627294759.

ClinVar aggregate classification (germline): Uncertain significance (1 of 4 stars; one submission).

Submission:

Labcorp Genetics (formerly Invitae), Labcorp
Classification: Uncertain significance. Last evaluated: 2023-11-27. Review status: criteria provided, single submitter. Criteria: Invitae Variant Classification Sherloc (09022015). Collection method: clinical testing. Allele origin: germline.
Comment: This variant, c.648_677del, results in the deletion of 10 amino acid(s) of the MAGEL2 protein (p.His221_Ala230del), but otherwise preserves the integrity of the reading frame. This variant is not present in population databases (gnomAD no frequency). This variant has not been reported in the literature in individuals affected with MAGEL2-related conditions. Experimental studies and prediction algorithms are not available or were not evaluated, and the functional significance of this variant is currently unknown. In summary, the available evidence is currently insufficient to determine the role of this variant in disease. Therefore, it has been classified as a Variant of Uncertain Significance.